The following is an entry in ClinVar:

ClinVar aggregate classification (germline): Uncertain significance (1 of 4 stars; one submission).

Conditions:
HTRA2-related disorder. Also called: HTRA2-related condition.

Submission:

PreventionGenetics, part of Exact Sciences
Classification: Uncertain significance for HTRA2-related condition. Last evaluated: 2025-10-09. Review status: criteria provided, single submitter. Criteria: ACMG Guidelines, 2015. Collection method: clinical testing. Allele origin: germline.
Comment: The HTRA2 c.1012C>T variant is predicted to result in the amino acid substitution p.Leu338Phe. To our knowledge, this variant has not been reported in the literature or in a large population database (gnomAD), indicating this variant is rare. A different variant at the same amino acid residue, c.1013_1015delTTC (p.Leu338del), has been reported in the homozygous state in patients with HTRA2 disorders (Kovacs-Nagy et al. 2018. PubMed ID: 30114719), indicating this residue may be important for protein function. At this time, the clinical significance of this variant is uncertain due to the absence of conclusive functional and genetic evidence.

NM_013247.5(HTRA2):c.1012C>T (p.Leu338Phe)

Gene: HTRA2 (HtrA serine peptidase 2; plus strand). Cytogenetic location: 2p13.1.
Variant type: single nucleotide variant.
Coding change: c.1012C>T on transcript NM_013247.5 (MANE Select); coding-DNA position 1012, C replaced by T.
Protein change: p.Leu338Phe; replaces leucine 338 with phenylalanine.
Molecular consequence: missense variant. On other transcripts: non-coding transcript variant (4).
Genome position (GRCh38, 1-based): chr2:74,531,669, C>T. VCF-style: chr2-74531669-C-T. GRCh37 (hg19) VCF-style: chr2-74758796-C-T.
Other names: c.1042C>T, p.Leu348Phe (NM_001321727.1); c.1012C>T, p.Leu338Phe (NM_001321728.1); c.817C>T, p.Leu273Phe (NM_145074.2); short protein forms L338F, L348F, L273F.
Identifiers: ClinVar variation 4991462 (VCV004991462.1).